The following is an entry in ClinVar:

NM_000070.3(CAPN3):c.1162C>T (p.Gln388Ter)

Gene: CAPN3 (calpain 3; plus strand). Cytogenetic location: 15q15.1.
Variant type: single nucleotide variant.
Coding change: c.1162C>T on transcript NM_000070.3 (MANE Select); coding-DNA position 1162, C replaced by T.
Protein change: p.Gln388Ter; replaces glutamine 388 with a stop codon.
Molecular consequence: nonsense.
Genome position (GRCh38, 1-based): chr15:42,396,846, C>T. VCF-style: chr15-42396846-C-T. GRCh37 (hg19) VCF-style: chr15-42689044-C-T.
Other names: c.1162C>T, p.Gln388Ter (NM_024344.2); c.1018C>T, p.Gln340Ter (NM_173087.2); c.901C>T, p.Gln301Ter (NM_212464.2); c.*855C>T (NM_212467.2); short protein forms Q301*, Q340*, Q388*.
Identifiers: ClinVar variation 2680378 (VCV002680378.4), dbSNP rs1051798261, ClinGen allele CA269841797.

ClinVar aggregate classification (germline): Pathogenic. Review status: criteria provided, multiple submitters, no conflicts (2 of 4 stars). 2 submissions from 2 submitters: Pathogenic (2). Last evaluated 2023-07-28.

Conditions:
Autosomal recessive limb-girdle muscular dystrophy type 2A (LGMDR1). Also called: Calpainopathy; Muscular dystrophy, limb-girdle, type 2A, Amish; LEYDEN-MOEBIUS MUSCULAR DYSTROPHY; MUSCULAR DYSTROPHY, PELVOFEMORAL; Limb-girdle muscular dystrophy, type 2A. Identifiers: Orphanet 267, MedGen C1869123, MONDO:0009675, OMIM 253600. Disease mechanism: loss of function.
Muscular dystrophy, limb-girdle, autosomal dominant 4. Also called: Calpain-3-related limb-girdle muscular dystrophy D4; MUSCULAR DYSTROPHY, LIMB-GIRDLE, TYPE 1I. Identifiers: Orphanet 565909, MedGen C4748295, MONDO:0029133, OMIM 618129.

Allele frequency attached by ClinVar (database versions not stated): gnomAD 0.00001; gnomAD exomes 0.00001.
gnomAD v4.1: 11 of 1,613,898 alleles (0.00068%); highest among the groups gnomAD compares: African/African-American, 0.0013%; no homozygotes.

Submissions (2):

Labcorp Genetics (formerly Invitae), Labcorp
Classification: Pathogenic for Autosomal recessive limb-girdle muscular dystrophy type 2A. Last evaluated: 2023-07-28. Review status: criteria provided, single submitter. Criteria: Invitae Variant Classification Sherloc (09022015). Collection method: clinical testing. Allele origin: germline.
Comment: This sequence change creates a premature translational stop signal (p.Gln388*) in the CAPN3 gene. It is expected to result in an absent or disrupted protein product. Loss-of-function variants in CAPN3 are known to be pathogenic (PMID: 10330340, 15689361). This variant has not been reported in the literature in individuals affected with CAPN3-related conditions. For these reasons, this variant has been classified as Pathogenic. This variant is present in population databases (no rsID available, gnomAD 0.01%).

Baylor Genetics
Classification: Pathogenic for Muscular dystrophy, limb-girdle, autosomal dominant 4. Last evaluated: 2023-06-22. Review status: criteria provided, single submitter. Criteria: ACMG Guidelines, 2015. Collection method: clinical testing. Allele origin: unknown.

Literature cited by the submitters: PubMed 10330340 (cited by Labcorp Genetics (formerly Invitae), Labcorp); PubMed 15689361 (cited by Labcorp Genetics (formerly Invitae), Labcorp).